The following is an entry in ClinVar:

NM_014956.5(CEP164):c.3415C>T (p.Arg1139Cys)

Gene: CEP164 (centrosomal protein 164; plus strand). Cytogenetic location: 11q23.3.
Variant type: single nucleotide variant.
Coding change: c.3415C>T on transcript NM_014956.5 (MANE Select); coding-DNA position 3415, C replaced by T.
Protein change: p.Arg1139Cys; replaces arginine 1139 with cysteine.
Molecular consequence: missense variant.
Genome position (GRCh38, 1-based): chr11:117,397,227, C>T. VCF-style: chr11-117397227-C-T. GRCh37 (hg19) VCF-style: chr11-117267943-C-T.
Other names: c.3424C>T, p.Arg1142Cys (NM_001271933.2); short protein forms R1139C, R1142C.
Identifiers: ClinVar variation 967105 (VCV000967105.12), dbSNP rs374437787, ClinGen allele CA6295445.
Genomic context (GRCh38, chr11:117,397,227, plus strand): 5'-CAGCAGACACGCTCCATGCGGAGGCGGCAGACAGCTCTGAAAGCTGCCCAGCAGCATTGG[C>T]GCCATGAGCTGGCCAGTGCGCAGGAGGTGGCCAAAGACCCACCAGGCATCAAGGCCCTGG-3'
Protein context (NP_055771.4, residues 1129-1149): TALKAAQQHW[Arg1139Cys]HELASAQEVA

ClinVar aggregate classification (germline): Uncertain significance. Review status: criteria provided, multiple submitters, no conflicts (2 of 4 stars). 5 submissions from 5 submitters: Uncertain significance (5). Last evaluated 2025-05-02.

Conditions:
Inborn genetic diseases. Identifiers: MedGen C0950123, MeSH D030342.
CEP164-related disorder. Also called: CEP164-related condition.
Nephronophthisis 15 (NPHP15). Identifiers: Orphanet 3156, MedGen C3541853, MONDO:0013917, OMIM 614845.

Allele frequency attached by ClinVar (database versions not stated): ExAC 0.00002; gnomAD 0.00003 and 0.00004; gnomAD exomes 0.00003; TOPMed 0.00003; ESP Exome Variant Server 0.00008.
gnomAD v4.1: 43 of 1,614,092 alleles (0.0027%); highest among the groups gnomAD compares: East Asian, 0.011%; no homozygotes.

Submissions (5):

PreventionGenetics, part of Exact Sciences
Classification: Uncertain significance for CEP164-related condition. Last evaluated: 2025-05-02. Review status: criteria provided, single submitter. Criteria: ACMG Guidelines, 2015. Collection method: clinical testing. Allele origin: germline.
Comment: The CEP164 c.3415C>T variant is predicted to result in the amino acid substitution p.Arg1139Cys. To our knowledge, this variant has not been reported in the literature. This variant is reported in 0.020% of alleles in individuals of East Asian descent in gnomAD. At this time, the clinical significance of this variant is uncertain due to the absence of conclusive functional and genetic evidence.

Ambry Genetics
Classification: Uncertain significance for Inborn genetic diseases. Last evaluated: 2024-09-27. Review status: criteria provided, single submitter. Criteria: Ambry Variant Classification Scheme 2023. Collection method: clinical testing. Allele origin: germline.

Blueprint Genetics
Classification: Uncertain significance. Last evaluated: 2024-04-12. Review status: criteria provided, single submitter. Criteria: ACMG Guidelines, 2015. Collection method: clinical testing. Allele origin: germline.

Labcorp Genetics (formerly Invitae), Labcorp
Classification: Uncertain significance for Nephronophthisis 15. Last evaluated: 2023-12-05. Review status: criteria provided, single submitter. Criteria: Invitae Variant Classification Sherloc (09022015). Collection method: clinical testing. Allele origin: germline.
Comment: This sequence change replaces arginine, which is basic and polar, with cysteine, which is neutral and slightly polar, at codon 1139 of the CEP164 protein (p.Arg1139Cys). This variant is present in population databases (rs374437787, gnomAD 0.02%). This variant has not been reported in the literature in individuals affected with CEP164-related conditions. ClinVar contains an entry for this variant (Variation ID: 967105). Advanced modeling of protein sequence and biophysical properties (such as structural, functional, and spatial information, amino acid conservation, physicochemical variation, residue mobility, and thermodynamic stability) performed at Invitae indicates that this missense variant is not expected to disrupt CEP164 protein function with a negative predictive value of 80%. In summary, the available evidence is currently insufficient to determine the role of this variant in disease. Therefore, it has been classified as a Variant of Uncertain Significance.

Fulgent Genetics
Classification: Uncertain significance for Nephronophthisis 15. Last evaluated: 2021-10-05. Review status: criteria provided, single submitter. Criteria: ACMG Guidelines, 2015. Collection method: clinical testing. Allele origin: unknown.